The following is an entry in ClinVar:

ClinVar aggregate classification (germline): Uncertain significance (1 of 4 stars; one submission).

Conditions:
Hereditary cancer-predisposing syndrome. Also called: Tumor predisposition; Hereditary Cancer Syndrome; Hereditary neoplastic syndrome; Neoplastic Syndromes, Hereditary. Identifiers: Orphanet 140162, MedGen C0027672, MeSH D009386, MONDO:0015356.

Submission:

Ambry Genetics
Classification: Uncertain significance for Hereditary cancer-predisposing syndrome. Last evaluated: 2024-06-06. Review status: criteria provided, single submitter. Criteria: Ambry Variant Classification Scheme 2023. Collection method: clinical testing. Allele origin: germline.
Comment: The p.G578D variant (also known as c.1733G>A), located in coding exon 9 of the ALK gene, results from a G to A substitution at nucleotide position 1733. The glycine at codon 578 is replaced by aspartic acid, an amino acid with similar properties. This amino acid position is conserved. In addition, this alteration is predicted to be tolerated by in silico analysis. Based on the available evidence, the clinical significance of this variant remains unclear.

NM_004304.5(ALK):c.1733G>A (p.Gly578Asp)

Gene: ALK (ALK receptor tyrosine kinase; minus strand). Cytogenetic location: 2p23.2.
Variant type: single nucleotide variant.
Coding change: c.1733G>A on transcript NM_004304.5 (MANE Select); coding-DNA position 1733, G replaced by A.
Protein change: p.Gly578Asp; replaces glycine 578 with aspartic acid.
Molecular consequence: missense variant.
Genome position (GRCh38, 1-based): chr2:29,296,972, C>T on the plus strand (G>A on the coding strand, the complement: ALK is on the minus strand). VCF-style: chr2-29296972-C-T. GRCh37 (hg19) VCF-style: chr2-29519838-C-T.
Other names: short protein forms G578D.
Identifiers: ClinVar variation 3286405 (VCV003286405.1).